The following is an entry in ClinVar:

NM_001037.5(SCN1B):c.448+119_448+120delinsAA

Gene: SCN1B (sodium voltage-gated channel beta subunit 1; plus strand). Cytogenetic location: 19q13.11.
Variant type: Indel.
Coding change: c.448+119_448+120delinsAA on transcript NM_001037.5 (MANE Select); bases 119 to 120 of the intron after coding-DNA position 448, GC replaced by AA.
Molecular consequence: intron variant. On other transcripts: missense variant (1).
Genome position (GRCh38, 1-based): chr19:35,033,858-35,033,859, GC replaced by AA. VCF-style: chr19-35033858-GC-AA. GRCh37 (hg19) VCF-style: chr19-35524762-GC-AA.
Other names: c.567_568delinsAA, p.Gln190Lys (NM_199037.5); c.349+119_349+120delinsAA (NM_001321605.2); short protein forms Q190K.
Identifiers: ClinVar variation 2158760 (VCV002158760.4), dbSNP rs2514235041, ClinGen allele CA2580096809.

ClinVar aggregate classification (germline): Uncertain significance (1 of 4 stars; one submission).

Conditions:
Brugada syndrome 5 (BRGDA5). Identifiers: Orphanet 130, Orphanet 871, MedGen C2748541, MONDO:0013015, OMIM 612838.

Submission:

Labcorp Genetics (formerly Invitae), Labcorp
Classification: Uncertain significance for Brugada syndrome 5. Last evaluated: 2022-04-28. Review status: criteria provided, single submitter. Criteria: Invitae Variant Classification Sherloc (09022015). Collection method: clinical testing. Allele origin: germline.
Comment: This variant has not been reported in the literature in individuals affected with SCN1B-related conditions. Experimental studies and prediction algorithms are not available or were not evaluated, and the functional significance of this variant is currently unknown. In summary, the available evidence is currently insufficient to determine the role of this variant in disease. Therefore, it has been classified as a Variant of Uncertain Significance. Information on the frequency of this variant in the gnomAD database is not available, as this variant may be reported differently in the database. This sequence change replaces glutamine, which is neutral and polar, with lysine, which is basic and polar, at codon 190 of the SCN1B protein (p.Gln190Lys).